The following is an entry in ClinVar:

NM_022124.6(CDH23):c.*434G>A

Genes: CDH23 (cadherin related 23; plus strand), PSAP (prosaposin; minus strand). Cytogenetic location: 10q22.1.
Variant type: single nucleotide variant.
Coding change: c.*434G>A on transcript NM_022124.6 (MANE Select); 434 bases downstream of the stop codon, G replaced by A.
Molecular consequence: 3 prime UTR variant.
Genome position (GRCh38, 1-based): chr10:71,815,712, G>A. VCF-style: chr10-71815712-G-A. GRCh37 (hg19) VCF-style: chr10-73575469-G-A.
Other names: c.*434G>A (NM_001171933.1, NM_001171934.1, NM_001171935.1 and 1 more transcripts).
Identifiers: ClinVar variation 300492 (VCV000300492.10), dbSNP rs529522213, ClinGen allele CA10635728.

ClinVar aggregate classification (germline): Conflicting classifications of pathogenicity. Review status: criteria provided, conflicting classifications (1 of 4 stars). 7 submissions from 2 submitters: Uncertain significance (4); Benign (1); Likely benign (1). 1 of the submissions does not count toward it. Last evaluated 2018-01-13.

Conditions:
PSAP-related disorder. Also called: PSAP-related condition.
Combined PSAP deficiency (PSAPD). Also called: Encephalopathy due to prosaposin deficiency; PROSAPOSIN DEFICIENCY; COMBINED SAP DEFICIENCY. Identifiers: Orphanet 139406, MedGen C2673635, MONDO:0012719, OMIM 611721.
Krabbe disease due to saposin A deficiency. Also called: KRABBE DISEASE, ATYPICAL, DUE TO SAPOSIN A DEFICIENCY; Saposin A Deficiency. Identifiers: Orphanet 487, MedGen C2673266, MONDO:0012720, OMIM 611722.
Sphingolipid activator protein 1 deficiency. Also called: Metachromatic leukodystrophy due to saposin B deficiency; Saposin B Deficiency; METACHROMATIC LEUKODYSTROPHY DUE TO CEREBROSIDE SULFATASE ACTIVATOR DEFICIENCY. Identifiers: Orphanet 512, MedGen C0268262, MONDO:0009590, OMIM 249900.
Gaucher disease due to saposin C deficiency. Also called: Saposin C Deficiency; Atypical Gaucher disease due to saposin C deficiency. Identifiers: Orphanet 309252, Orphanet 355, MedGen C1864651, MONDO:0012517, OMIM 610539.
Autosomal recessive nonsyndromic hearing loss 12. Also called: DEAFNESS, AUTOSOMAL RECESSIVE 12. Identifiers: Orphanet 90636, MedGen C1832394, MONDO:0011067, OMIM 601386.
Usher syndrome type 1D (USH1D). Also called: USHER SYNDROME, TYPE ID. Identifiers: Orphanet 231169, Orphanet 886, MedGen C1832845, MONDO:0010984, OMIM 601067.

Allele frequency attached by ClinVar (database versions not stated): 1000 Genomes Project 0.00060; TOPMed 0.00103; gnomAD exomes 0.00127; gnomAD 0.00133 and 0.00129; 1000 Genomes Project 30x 0.00062.
gnomAD v4.1: 205 of 162,236 alleles (0.13%); highest among the groups gnomAD compares: Non-Finnish European, 0.2%; no homozygotes.

Submissions (7):

Illumina Laboratory Services, Illumina
Classification: Likely benign for Combined PSAP deficiency. Last evaluated: 2018-01-13. Review status: criteria provided, single submitter. Criteria: ICSL Variant Classification Criteria 13 December 2019. Collection method: clinical testing. Allele origin: germline.
Comment: This variant was observed in the ICSL laboratory as part of a predisposition screen in an ostensibly healthy population. It had not been previously curated by ICSL or reported in the Human Gene Mutation Database (HGMD: prior to June 1st, 2018), and was therefore a candidate for classification through an automated scoring system. Utilizing variant allele frequency, disease prevalence and penetrance estimates, and inheritance mode, an automated score was calculated to assess if this variant is too frequent to cause the disease. Based on the score and internal cut-off values, a variant classified as likely benign is not then subjected to further curation. The score for this variant resulted in a classification of likely benign for this disease.

Illumina Laboratory Services, Illumina
Classification: Uncertain significance for Sphingolipid activator protein 1 deficiency. Last evaluated: 2018-01-13. Review status: criteria provided, single submitter. Criteria: ICSL Variant Classification Criteria 13 December 2019. Collection method: clinical testing. Allele origin: germline.

Illumina Laboratory Services, Illumina
Classification: Uncertain significance for Krabbe disease due to saposin A deficiency. Last evaluated: 2018-01-13. Review status: criteria provided, single submitter. Criteria: ICSL Variant Classification Criteria 13 December 2019. Collection method: clinical testing. Allele origin: germline.

Illumina Laboratory Services, Illumina
Classification: Benign for Gaucher disease due to saposin C deficiency. Last evaluated: 2018-01-13. Review status: criteria provided, single submitter. Criteria: ICSL Variant Classification Criteria 13 December 2019. Collection method: clinical testing. Allele origin: germline.
Comment: This variant was observed in the ICSL laboratory as part of a predisposition screen in an ostensibly healthy population. It had not been previously curated by ICSL or reported in the Human Gene Mutation Database (HGMD: prior to June 1st, 2018), and was therefore a candidate for classification through an automated scoring system. Utilizing variant allele frequency, disease prevalence and penetrance estimates, and inheritance mode, an automated score was calculated to assess if this variant is too frequent to cause the disease. Based on the score and internal cut-off values, a variant classified as benign is not then subjected to further curation. The score for this variant resulted in a classification of benign for this disease.

Illumina Laboratory Services, Illumina
Classification: Uncertain significance for Autosomal recessive nonsyndromic hearing loss 12. Last evaluated: 2018-01-13. Review status: criteria provided, single submitter. Criteria: ICSL Variant Classification Criteria 13 December 2019. Collection method: clinical testing. Allele origin: germline.

Illumina Laboratory Services, Illumina
Classification: Uncertain significance for Usher syndrome type 1D. Last evaluated: 2018-01-13. Review status: criteria provided, single submitter. Criteria: ICSL Variant Classification Criteria 13 December 2019. Collection method: clinical testing. Allele origin: germline.

PreventionGenetics, part of Exact Sciences
Classification: Likely benign for PSAP-related condition. Last evaluated: 2021-06-30. Review status: no assertion criteria provided. Collection method: clinical testing. Allele origin: germline. Not counted in ClinVar's aggregate classification.
Comment: This variant is classified as likely benign based on ACMG/AMP sequence variant interpretation guidelines (Richards et al. 2015 PMID: 25741868, with internal and published modifications).